The following is an entry in ClinVar:

ClinVar aggregate classification (germline): Uncertain significance (1 of 4 stars; one submission).

Conditions:
Oligodontia-cancer predisposition syndrome. Also called: TOOTH AGENESIS-COLORECTAL CANCER SYNDROME. Identifiers: Orphanet 300576, MedGen C1837750, MONDO:0012075, OMIM 608615. Disease mechanism: loss of function.

Submission:

Labcorp Genetics (formerly Invitae), Labcorp
Classification: Uncertain significance for Oligodontia-cancer predisposition syndrome. Last evaluated: 2025-07-29. Review status: criteria provided, single submitter. Criteria: Invitae Variant Classification Sherloc (09022015). Collection method: clinical testing. Allele origin: germline.
Comment: This sequence change affects an acceptor splice site in intron 7 of the AXIN2 gene. RNA analysis indicates that disruption of this splice site induces altered splicing and likely results in the loss of 3 amino acid residue(s), but is expected to preserve the integrity of the reading-frame. This variant is not present in population databases (gnomAD no frequency). This variant has not been reported in the literature in individuals affected with AXIN2-related conditions. ClinVar contains an entry for this variant (Variation ID: 1910981). Studies have shown that disruption of this splice site results in the activation of a cryptic splice site in exon 8 (internal data). In summary, the available evidence is currently insufficient to determine the role of this variant in disease. Therefore, it has been classified as a Variant of Uncertain Significance.

NM_004655.4(AXIN2):c.1908-1G>C

Gene: AXIN2 (axin 2; minus strand). Cytogenetic location: 17q24.1.
Variant type: single nucleotide variant.
Coding change: c.1908-1G>C on transcript NM_004655.4 (MANE Select); the canonical splice acceptor site of the intron before coding-DNA position 1908, G replaced by C.
Molecular consequence: splice acceptor variant.
Genome position (GRCh38, 1-based): chr17:65,536,554, C>G on the plus strand (G>C on the coding strand, the complement: AXIN2 is on the minus strand). VCF-style: chr17-65536554-C-G. GRCh37 (hg19) VCF-style: chr17-63532672-C-G.
Other names: c.1713-1G>C (NM_001363813.1).
Identifiers: ClinVar variation 1910981 (VCV001910981.5), dbSNP rs773157765, ClinGen allele CA400676362.
Genomic context (GRCh38, chr17:65,536,554, plus strand): 5'-CGTTCGCCTGGAGACGAGCGGGCAGACTCCAAGGGGTAGGCCTTTTTTGTGCTTTGGGCA[C>G]TAAACAAGGAATGAGCAGAGAGAAAACAGAAGGAAAGAAACTGGGTTAGAAGAACTGGAA-3'